The following is an entry in ClinVar:

ClinVar aggregate classification (germline): Uncertain significance (1 of 4 stars; one submission).

Conditions:
Mucopolysaccharidosis type 1. Also called: IDUA deficiency; MPS I; Mucopolysaccharidosis Type I. Identifiers: Orphanet 579, MedGen C0023786, MONDO:0001586.

Submission:

Labcorp Genetics (formerly Invitae), Labcorp
Classification: Uncertain significance for Mucopolysaccharidosis type 1. Last evaluated: 2017-07-30. Review status: criteria provided, single submitter. Criteria: Invitae Variant Classification Sherloc (09022015). Collection method: clinical testing. Allele origin: germline.
Comment: In summary, the available evidence is currently insufficient to determine the role of this variant in disease. Therefore, it has been classified as a Variant of Uncertain Significance. Algorithms developed to predict the effect of missense changes on protein structure and function do not agree on the potential impact of this missense change (SIFT: "Tolerated"; PolyPhen-2: "Probably Damaging"; Align-GVGD: "Class C0"). This variant has not been reported in the literature in individuals with IDUA-related disease. This variant is not present in population databases (ExAC no frequency). This sequence change replaces glycine with serine at codon 630 of the IDUA protein (p.Gly630Ser). The glycine residue is moderately conserved and there is a small physicochemical difference between glycine and serine.

NM_000203.5(IDUA):c.1888G>A (p.Gly630Ser)

Gene: IDUA (alpha-L-iduronidase; plus strand). Cytogenetic location: 4p16.3.
Variant type: single nucleotide variant.
Coding change: c.1888G>A on transcript NM_000203.5 (MANE Select); coding-DNA position 1888, G replaced by A.
Protein change: p.Gly630Ser; replaces glycine 630 with serine.
Molecular consequence: missense variant. On other transcripts: non-coding transcript variant (1).
Genome position (GRCh38, 1-based): chr4:1,004,319, G>A. VCF-style: chr4-1004319-G-A. GRCh37 (hg19) VCF-style: chr4-998107-G-A.
Other names: c.1492G>A, p.Gly498Ser (NM_001363576.1); short protein forms G630S, G498S.
Identifiers: ClinVar variation 456718 (VCV000456718.9), dbSNP rs1553917753, ClinGen allele CA355965988.